The following is an entry in ClinVar:

ClinVar aggregate classification (germline): Likely benign. Review status: criteria provided, multiple submitters, no conflicts (2 of 4 stars). 4 submissions from 4 submitters: Likely benign (4). Last evaluated 2026-01-11.

Conditions:
Neuromuscular disease caused by qualitative or quantitative defects of dysferlin. Also called: Qualitative or quantitative defects of dysferlin; Dysferlinopathy. Identifiers: Orphanet 207073, MedGen C2931687, MONDO:0016145.
DYSF-related disorder. Also called: DYSF-related disorders; DYSF-related condition.

Allele frequency attached by ClinVar (database versions not stated): gnomAD 0.00004; gnomAD exomes 0.00005 and 0.00008; ExAC 0.00006.
gnomAD v4.1: 78 of 1,612,596 alleles (0.0048%); highest among the groups gnomAD compares: Admixed American, 0.05%; no homozygotes.

Submissions (4):

Labcorp Genetics (formerly Invitae), Labcorp
Classification: Likely benign for Neuromuscular disease caused by qualitative or quantitative defects of dysferlin. Last evaluated: 2026-01-11. Review status: criteria provided, single submitter. Criteria: Invitae Variant Classification Sherloc (09022015). Collection method: clinical testing. Allele origin: germline.

PreventionGenetics, part of Exact Sciences
Classification: Likely benign for DYSF-related condition. Last evaluated: 2025-02-18. Review status: criteria provided, single submitter. Criteria: ACMG Guidelines, 2015. Collection method: clinical testing. Allele origin: germline.
Comment: This variant is classified as likely benign based on ACMG/AMP sequence variant interpretation guidelines (Richards et al. 2015 PMID: 25741868, with internal and published modifications).

CeGaT Center for Human Genetics Tuebingen
Classification: Likely benign. Last evaluated: 2023-09-01. Review status: criteria provided, single submitter. Criteria: CeGaT Center For Human Genetics Tuebingen Variant Classification Criteria Version 2. Collection method: clinical testing. Allele origin: germline. Affected: yes. Observed: 1 variant allele.
Comment: DYSF: BP4, BP7

Blueprint Genetics
Classification: Likely benign. Last evaluated: 2020-11-16. Review status: criteria provided, single submitter. Criteria: ACMG Guidelines, 2015. Collection method: clinical testing. Allele origin: germline.

NM_001130987.2(DYSF):c.3870C>T (p.Ala1290=)

Gene: DYSF (dysferlin; plus strand). Cytogenetic location: 2p13.2.
Variant type: single nucleotide variant.
Coding change: c.3870C>T on transcript NM_001130987.2 (MANE Select); coding-DNA position 3870, C replaced by T.
Protein change: p.Ala1290=; no amino-acid change (alanine 1290 retained).
Molecular consequence: synonymous variant.
Genome position (GRCh38, 1-based): chr2:71,600,815, C>T. VCF-style: chr2-71600815-C-T. GRCh37 (hg19) VCF-style: chr2-71827945-C-T.
Other names: c.3816C>T, p.Ala1272= (NM_003494.4, NM_001130978.2); c.3819C>T, p.Ala1273= (NM_001130455.2, NM_001130983.2); c.3774C>T, p.Ala1258= (NM_001130976.2, NM_001130977.2); c.3909C>T, p.Ala1303= (NM_001130979.2); c.3867C>T, p.Ala1289= (NM_001130980.2, NM_001130981.2); c.3912C>T, p.Ala1304= (NM_001130982.2); c.3777C>T, p.Ala1259= (NM_001130984.2, NM_001130986.2); c.3870C>T, p.Ala1290= (NM_001130985.2); and 1 more.
Identifiers: ClinVar variation 1145033 (VCV001145033.35), dbSNP rs778341042, ClinGen allele CA1706735.
Genomic context (GRCh38, chr2:71,600,815, plus strand): 5'-GCCACGGCTGGCCTGGTTCCCACTGACGAGGGGCAGCCAGCCGTCGGGGGAGCTGCTGGC[C>T]TCTTTTGAGCTCATCCAGAGAGAGAAGGTGAGGCTGGTCTATATCCAGATCCAGGAGGCC-3'
Protein context (NP_001124459.1, residues 1280-1300): RGSQPSGELL[Ala1290=]SFELIQREKP